The following is an entry in ClinVar:

NM_001369268.1(ACAN):c.1873G>A (p.Gly625Ser)

Gene: ACAN (aggrecan; plus strand). Cytogenetic location: 15q26.1.
Variant type: single nucleotide variant.
Coding change: c.1873G>A on transcript NM_001369268.1 (MANE Select); coding-DNA position 1873, G replaced by A.
Protein change: p.Gly625Ser; replaces glycine 625 with serine.
Molecular consequence: missense variant.
Genome position (GRCh38, 1-based): chr15:88,849,578, G>A. VCF-style: chr15-88849578-G-A. GRCh37 (hg19) VCF-style: chr15-89392809-G-A.
Other names: c.1873G>A, p.Gly625Ser (NM_001135.4, NM_001411096.1, NM_001411097.1 and 1 more transcripts); short protein forms G625S.
Identifiers: ClinVar variation 2886471 (VCV002886471.3), dbSNP rs148018909, ClinGen allele CA393711939.

ClinVar aggregate classification (germline): Uncertain significance (1 of 4 stars; one submission).

gnomAD v4.1: 16 of 1,607,730 alleles (0.001%); highest among the groups gnomAD compares: African/African-American, 0.0067%; no homozygotes.

Submission:

Labcorp Genetics (formerly Invitae), Labcorp
Classification: Uncertain significance. Last evaluated: 2025-01-06. Review status: criteria provided, single submitter. Criteria: Invitae Variant Classification Sherloc (09022015). Collection method: clinical testing. Allele origin: germline.
Comment: This sequence change replaces glycine, which is neutral and non-polar, with serine, which is neutral and polar, at codon 625 of the ACAN protein (p.Gly625Ser). This variant is present in population databases (no rsID available, gnomAD 0.009%). This variant has not been reported in the literature in individuals affected with ACAN-related conditions. ClinVar contains an entry for this variant (Variation ID: 2886471). Invitae Evidence Modeling of protein sequence and biophysical properties (such as structural, functional, and spatial information, amino acid conservation, physicochemical variation, residue mobility, and thermodynamic stability) indicates that this missense variant is not expected to disrupt ACAN protein function with a negative predictive value of 80%. In summary, the available evidence is currently insufficient to determine the role of this variant in disease. Therefore, it has been classified as a Variant of Uncertain Significance.